The following is an entry in ClinVar:

NM_000257.4(MYH7):c.1578+1G>T

Gene: MYH7 (myosin heavy chain 7; minus strand). Cytogenetic location: 14q11.2.
Variant type: single nucleotide variant.
Coding change: c.1578+1G>T on transcript NM_000257.4 (MANE Select); the canonical splice donor site of the intron after coding-DNA position 1578, G replaced by T.
Molecular consequence: splice donor variant.
Genome position (GRCh38, 1-based): chr14:23,428,499, C>A on the plus strand (G>T on the coding strand, the complement: MYH7 is on the minus strand). VCF-style: chr14-23428499-C-A. GRCh37 (hg19) VCF-style: chr14-23897708-C-A.
Other names: c.1578+1G>T (NM_001407004.1).
Identifiers: ClinVar variation 923377 (VCV000923377.6), dbSNP rs1892788026, ClinGen allele CA389050280.

ClinVar aggregate classification (germline): Uncertain significance. Review status: criteria provided, multiple submitters, no conflicts (2 of 4 stars). 2 submissions from 2 submitters: Uncertain significance (2). Last evaluated 2025-06-04.

Conditions:
Cardiomyopathy (CMYO). Also called: Cardiomyopathies. Identifiers: Orphanet 167848, MedGen C0878544, MONDO:0004994, HP:0001638. Inheritance: Various modes of inheritance.
Hypertrophic cardiomyopathy. Also called: HYPERTROPHIC MYOCARDIOPATHY. Identifiers: Orphanet 217569, MedGen C0007194, MeSH D002312, MONDO:0005045, HP:0001639.

Submissions (2):

Color Diagnostics, LLC DBA Color Health
Classification: Uncertain significance for Cardiomyopathy. Last evaluated: 2025-06-04. Review status: criteria provided, single submitter. Criteria: ACMG Guidelines, 2015. Collection method: clinical testing. Allele origin: germline.
Comment: This variant causes a G>T nucleotide substitution at the +1 position of intron 15 of the MYH7 gene. Splice site prediction tools predict that this variant may have a significant impact on RNA splicing. To our knowledge, RNA studies have not been performed for this variant. This variant has not been reported in individuals affected with MYH7-related disorders in the literature. This variant has not been identified in the general population by the Genome Aggregation Database (gnomAD). Clinical significance of loss-of-function MYH7 truncation and splice variants in autosomal dominant cardiovascular disorders is not clearly established. The available evidence is insufficient to determine the role of this variant in disease conclusively. Therefore, this variant is classified as a Variant of Uncertain Significance.

Labcorp Genetics (formerly Invitae), Labcorp
Classification: Uncertain significance for Hypertrophic cardiomyopathy. Last evaluated: 2024-07-02. Review status: criteria provided, single submitter. Criteria: Invitae Variant Classification Sherloc (09022015). Collection method: clinical testing. Allele origin: germline.
Comment: This sequence change affects a donor splice site in intron 15 of the MYH7 gene. It is expected to disrupt RNA splicing. Variants that disrupt the donor or acceptor splice site typically lead to a loss of protein function (PMID: 16199547), however the current clinical and genetic evidence is not sufficient to establish whether loss-of-function variants in MYH7 cause disease. This variant is not present in population databases (gnomAD no frequency). This variant has not been reported in the literature in individuals affected with MYH7-related conditions. ClinVar contains an entry for this variant (Variation ID: 923377). Algorithms developed to predict the effect of sequence changes on RNA splicing suggest that this variant may disrupt the consensus splice site. In summary, the available evidence is currently insufficient to determine the role of this variant in disease. Therefore, it has been classified as a Variant of Uncertain Significance.

Literature cited by the submitters: PubMed 16199547 (cited by Labcorp Genetics (formerly Invitae), Labcorp).